The following is an entry in ClinVar:

ClinVar aggregate classification (germline): Uncertain significance (1 of 4 stars; one submission).

Conditions:
Neuropathy, hereditary sensory and autonomic, type 2A (HSAN2A). Also called: MORVAN DISEASE; NEUROPATHY, CONGENITAL SENSORY; NEUROPATHY, HEREDITARY SENSORY RADICULAR, AUTOSOMAL RECESSIVE; NEUROPATHY, HEREDITARY SENSORY, TYPE IIA; NEUROPATHY, PROGRESSIVE SENSORY, OF CHILDREN; HSAN IIA. Identifiers: Orphanet 970, MedGen C2752089, MONDO:0024309, OMIM 201300.
Generalized epilepsy with febrile seizures plus, type 7 (GEFSP7). Also called: GEFS+, TYPE 7. Identifiers: Orphanet 36387, MedGen C2751778, MONDO:0013470, OMIM 613863.

Submission:

Labcorp Genetics (formerly Invitae), Labcorp
Classification: Uncertain significance for Neuropathy, hereditary sensory and autonomic, type 2A; Generalized epilepsy with febrile seizures plus, type 7. Last evaluated: 2022-05-20. Review status: criteria provided, single submitter. Criteria: Invitae Variant Classification Sherloc (09022015). Collection method: clinical testing. Allele origin: germline.
Comment: In summary, the available evidence is currently insufficient to determine the role of this variant in disease. Therefore, it has been classified as a Variant of Uncertain Significance. Experimental studies and prediction algorithms are not available or were not evaluated, and the functional significance of this variant is currently unknown. This variant has not been reported in the literature in individuals affected with SCN9A-related conditions. This variant is not present in population databases (gnomAD no frequency). This sequence change results in a frameshift in the SCN9A gene (p.Lys1977Asnfs*20). While this is not anticipated to result in nonsense mediated decay, it is expected to disrupt the last 1 amino acid(s) of the SCN9A protein and extend the protein by 18 additional amino acid residues.

NM_001365536.1(SCN9A):c.5964del (p.Lys1988fs)

Genes: SCN9A (sodium voltage-gated channel alpha subunit 9; minus strand), SCN1A-AS1 (SCN1A and SCN9A antisense RNA 1; plus strand). Cytogenetic location: 2q24.3.
Variant type: Deletion.
Coding change: c.5964del on transcript NM_001365536.1 (MANE Select); coding-DNA position 5964, one base deleted (A; older notation c.5964delA).
Protein change: p.Lys1988fs; shifts the reading frame from lysine 1988.
Molecular consequence: frameshift variant.
Genome position (GRCh38, 1-based): chr2:166,198,675, T deleted on the plus strand (A on the coding strand, the reverse complement: SCN9A is on the minus strand); the first of 6 consecutive T bases (chr2:166,198,675-166,198,680); deleting any one gives the same sequence. VCF-style (leftmost placement, unchanged base first): chr2-166198674-AT-A. GRCh37 (hg19) VCF-style: chr2-167055184-AT-A.
Other names: c.5926delA, p.Lys1977Asnfs (NM_002977.4); short protein forms K1977fs, K1988fs.
Identifiers: ClinVar variation 2116775 (VCV002116775.4), dbSNP rs1558938258, ClinGen allele CA645537216.